The following is an entry in ClinVar:

NM_145261.4(DNAJC19):c.41C>T (p.Ala14Val)

Gene: DNAJC19 (DnaJ heat shock protein family (Hsp40) member C19; minus strand). Cytogenetic location: 3q26.33.
Variant type: single nucleotide variant.
Coding change: c.41C>T on transcript NM_145261.4 (MANE Select); coding-DNA position 41, C replaced by T.
Protein change: p.Ala14Val; replaces alanine 14 with valine.
Molecular consequence: missense variant. On other transcripts: 5 prime UTR variant (1), non-coding transcript variant (2).
Genome position (GRCh38, 1-based): chr3:180,988,192, G>A on the plus strand (C>T on the coding strand, the complement: DNAJC19 is on the minus strand). VCF-style: chr3-180988192-G-A. GRCh37 (hg19) VCF-style: chr3-180705980-G-A.
Other names: c.-35C>T (NM_001190233.2); short protein forms A14V.
Identifiers: ClinVar variation 2112095 (VCV002112095.4), dbSNP rs1419296050, ClinGen allele CA355472790.
Genomic context (GRCh38, chr3:180,988,192, plus strand): 5'-CTCCAATCTCCCCGACTTCACTTCCATCCCCAAACCATAAACAAACCTGCAAATCCTGCA[G>A]CAGCAATGGTCAGTCCAACTGCTACCACTGTACTGGCCTGGTAAGGGGGAGAAGAGTAAA-3'
Protein context (NP_660304.1, residues 4-24): TVVAVGLTIA[Ala14Val]AGFAGRYVLQ

ClinVar aggregate classification (germline): Uncertain significance (1 of 4 stars; one submission).

Conditions:
3-methylglutaconic aciduria type 5. Also called: 3 alpha methylglutaconic aciduria type V; MGA 5; MGA, TYPE V; CARDIOMYOPATHY, DILATED, WITH ATAXIA. Identifiers: Orphanet 66634, MedGen C1857776, MONDO:0012435, OMIM 610198.

Allele frequency attached by ClinVar (database versions not stated): gnomAD 0.00001.
gnomAD v4.1: 1 of 1,614,018 alleles (0.000062%); highest among the groups gnomAD compares: Non-Finnish European, 0.000085%; no homozygotes.

Submission:

Labcorp Genetics (formerly Invitae), Labcorp
Classification: Uncertain significance for 3-methylglutaconic aciduria type 5. Last evaluated: 2022-04-05. Review status: criteria provided, single submitter. Criteria: Invitae Variant Classification Sherloc (09022015). Collection method: clinical testing. Allele origin: germline.
Comment: In summary, the available evidence is currently insufficient to determine the role of this variant in disease. Therefore, it has been classified as a Variant of Uncertain Significance. Algorithms developed to predict the effect of missense changes on protein structure and function (SIFT, PolyPhen-2, Align-GVGD) all suggest that this variant is likely to be tolerated. This variant has not been reported in the literature in individuals affected with DNAJC19-related conditions. This variant is not present in population databases (gnomAD no frequency). This sequence change replaces alanine, which is neutral and non-polar, with valine, which is neutral and non-polar, at codon 14 of the DNAJC19 protein (p.Ala14Val).